The following is an entry in ClinVar:

NM_172351.3(CD46):c.304A>G (p.Ile102Val)

Gene: CD46 (CD46 molecule; plus strand). Cytogenetic location: 1q32.2.
Variant type: single nucleotide variant.
Coding change: c.304A>G on transcript NM_172351.3 (MANE Select); coding-DNA position 304, A replaced by G.
Protein change: p.Ile102Val; replaces isoleucine 102 with valine.
Molecular consequence: missense variant.
Genome position (GRCh38, 1-based): chr1:207,757,557, A>G. VCF-style: chr1-207757557-A-G. GRCh37 (hg19) VCF-style: chr1-207930902-A-G.
Other names: p.Ile102Val; c.304A>G, p.Ile102Val (NM_002389.4, NM_153826.4, NM_172350.3 and 8 more transcripts); short protein forms I102V.
Identifiers: ClinVar variation 1395997 (VCV001395997.10), dbSNP rs1655700581, ClinGen allele CA344548367.

ClinVar aggregate classification (germline): Uncertain significance. Review status: criteria provided, multiple submitters, no conflicts (2 of 4 stars). 3 submissions from 3 submitters: Uncertain significance (3). Last evaluated 2025-09-15.

Allele frequency attached by ClinVar (database versions not stated): gnomAD exomes below 0.00001; gnomAD 0.00001; TOPMed 0.00002.
gnomAD v4.1: 3 of 1,604,694 alleles (0.00019%); highest among the groups gnomAD compares: Admixed American, 0.005%; no homozygotes.

Submissions (3):

Labcorp Genetics (formerly Invitae), Labcorp
Classification: Uncertain significance. Last evaluated: 2025-09-15. Review status: criteria provided, single submitter. Criteria: Invitae Variant Classification Sherloc (09022015). Collection method: clinical testing. Allele origin: germline.
Comment: This sequence change replaces isoleucine, which is neutral and non-polar, with valine, which is neutral and non-polar, at codon 102 of the CD46 protein (p.Ile102Val). This variant is not present in population databases (gnomAD no frequency). This variant has not been reported in the literature in individuals affected with CD46-related conditions. ClinVar contains an entry for this variant (Variation ID: 1395997). Invitae Evidence Modeling of protein sequence and biophysical properties (such as structural, functional, and spatial information, amino acid conservation, physicochemical variation, residue mobility, and thermodynamic stability) indicates that this missense variant is not expected to disrupt CD46 protein function with a negative predictive value of 80%. In summary, the available evidence is currently insufficient to determine the role of this variant in disease. Therefore, it has been classified as a Variant of Uncertain Significance.

Mayo Clinic Laboratories, Mayo Clinic
Classification: Uncertain significance. Last evaluated: 2025-02-28. Review status: criteria provided, single submitter. Criteria: ACMG Guidelines, 2015. Collection method: clinical testing. Allele origin: germline. Observed: 1 variant allele.
Comment: BP4_moderate, PM2_supporting

Breakthrough Genomics
Classification: Uncertain significance. Review status: criteria provided, single submitter. Criteria: ACMG Guidelines, 2015. Collection method: not provided. Allele origin: germline. Inheritance: Autosomal recessive inheritance. Affected: yes.